The following is an entry in ClinVar:

ClinVar aggregate classification (germline): Uncertain significance. Review status: criteria provided, multiple submitters, no conflicts (2 of 4 stars). 5 submissions from 5 submitters: Uncertain significance (3). 2 of the submissions do not count toward it. Last evaluated 2021-10-18.

Conditions:
Cardiovascular phenotype. Identifiers: MedGen CN230736.
Autosomal recessive limb-girdle muscular dystrophy type 2J (LGMDR10). Also called: Limb-girdle muscular dystrophy, type 2J; MUSCULAR DYSTROPHY, LIMB-GIRDLE, AUTOSOMAL RECESSIVE 10. Identifiers: Orphanet 140922, MedGen C1837342, MONDO:0012127, OMIM 608807.
Hypertrophic cardiomyopathy 9. Also called: Familial hypertrophic cardiomyopathy 9. Identifiers: MedGen C1861065, MONDO:0013412, OMIM 613765.
Early-onset myopathy with fatal cardiomyopathy (CMYO5). Also called: CONGENITAL MYOPATHY 5 WITH CARDIOMYOPATHY; Salih Myopathy. Identifiers: Orphanet 289377, MedGen C2673677, MONDO:0012714, OMIM 611705. Disease mechanism: loss of function.
Dilated cardiomyopathy 1G (CMD1G). Identifiers: Orphanet 154, MedGen C1858763, MONDO:0011400, OMIM 604145.
Myopathy, myofibrillar, 9, with early respiratory failure (MFM9). Also called: Hereditary myopathy with early respiratory failure; EDSTROM MYOPATHY; MYOPATHY, PROXIMAL, WITH EARLY RESPIRATORY MUSCLE INVOLVEMENT; Myopathy, distal, with early respiratory failure, autosomal dominant. Identifiers: Orphanet 178464, Orphanet 34521, MedGen C1863599, MONDO:0011362, OMIM 603689.
Tibial muscular dystrophy (TMD). Also called: Udd Distal Myopathy – Tibial Muscular Dystrophy; UDD MYOPATHY; Tibial muscular dystrophy, tardive. Identifiers: Orphanet 609, MedGen C1838244, MONDO:0010870, OMIM 600334.

Allele frequency attached by ClinVar (database versions not stated): gnomAD exomes 0.00001; TOPMed 0.00002; ExAC 0.00003; gnomAD 0.00004.
gnomAD v4.1: 21 of 1,613,026 alleles (0.0013%); highest among the groups gnomAD compares: Admixed American, 0.0067%; no homozygotes.

Submissions (5):

Fulgent Genetics
Classification: Uncertain significance for Tibial muscular dystrophy; Myopathy, myofibrillar, 9, with early respiratory failure; Dilated cardiomyopathy 1G; Autosomal recessive limb-girdle muscular dystrophy type 2J; Early-onset myopathy with fatal cardiomyopathy; Hypertrophic cardiomyopathy 9. Last evaluated: 2021-10-18. Review status: criteria provided, single submitter. Criteria: ACMG Guidelines, 2015. Collection method: clinical testing. Allele origin: unknown.

Revvity Omics, Revvity
Classification: Uncertain significance. Last evaluated: 2020-11-20. Review status: criteria provided, single submitter. Criteria: ACMG Guidelines, 2015. Collection method: clinical testing. Allele origin: germline.

Ambry Genetics
Classification: Uncertain significance for Cardiovascular phenotype. Last evaluated: 2020-03-17. Review status: criteria provided, single submitter. Criteria: Ambry Variant Classification Scheme 2023. Collection method: clinical testing. Allele origin: germline.
Comment: The p.R15677H variant (also known as c.47030G>A), located in coding exon 153 of the TTN gene, results from a G to A substitution at nucleotide position 47030. The arginine at codon 15677 is replaced by histidine, an amino acid with highly similar properties. This amino acid position is not well conserved in available vertebrate species. In addition, this alteration is predicted to be tolerated by in silico analysis. Since supporting evidence is limited at this time, the clinical significance of this alteration remains unclear.

Clinical Genetics DNA and cytogenetics Diagnostics Lab, Erasmus MC, Erasmus Medical Center
Classification: Uncertain significance. Review status: no assertion criteria provided. Collection method: clinical testing. Allele origin: germline. Affected: yes. Study: VKGL Data-share Consensus. Not counted in ClinVar's aggregate classification.

Joint Genome Diagnostic Labs from Nijmegen and Maastricht, Radboudumc and MUMC+
Classification: Uncertain significance. Review status: no assertion criteria provided. Collection method: clinical testing. Allele origin: germline. Affected: yes. Study: VKGL Data-share Consensus. Not counted in ClinVar's aggregate classification.

NM_001267550.2(TTN):c.74225G>A (p.Arg24742His)

Genes: TTN (titin; minus strand), TTN-AS1 (TTN antisense RNA 1; plus strand). Cytogenetic location: 2q31.2.
Variant type: single nucleotide variant.
Coding change: c.74225G>A on transcript NM_001267550.2 (MANE Select); coding-DNA position 74225, G replaced by A.
Protein change: p.Arg24742His; replaces arginine 24742 with histidine.
Molecular consequence: missense variant.
Genome position (GRCh38, 1-based): chr2:178,571,907, C>T on the plus strand (G>A on the coding strand, the complement: TTN is on the minus strand). VCF-style: chr2-178571907-C-T. GRCh37 (hg19) VCF-style: chr2-179436634-C-T.
Other names: c.47405G>A, p.Arg15802His (NM_133432.3); c.47606G>A, p.Arg15869His (NM_133437.4); c.69302G>A, p.Arg23101His (NM_001256850.1); c.47030G>A, p.Arg15677His (NM_003319.4); c.66521G>A, p.Arg22174His (NM_133378.4); short protein forms R15677H, R15802H, R15869H, R22174H, R23101H, R24742H.
Identifiers: ClinVar variation 1299959 (VCV001299959.8), dbSNP rs761823581, ClinGen allele CA1990226.